The following is an entry in ClinVar:

NM_032444.4(SLX4):c.2654C>T (p.Pro885Leu)

Gene: SLX4 (SLX4 structure-specific endonuclease subunit; minus strand). Cytogenetic location: 16p13.3.
Variant type: single nucleotide variant.
Coding change: c.2654C>T on transcript NM_032444.4 (MANE Select); coding-DNA position 2654, C replaced by T.
Protein change: p.Pro885Leu; replaces proline 885 with leucine.
Molecular consequence: missense variant.
Genome position (GRCh38, 1-based): chr16:3,590,984, G>A on the plus strand (C>T on the coding strand, the complement: SLX4 is on the minus strand). VCF-style: chr16-3590984-G-A. GRCh37 (hg19) VCF-style: chr16-3640985-G-A.
Other names: c.2654C>T (LRG_503t1, NM_032444.3); short protein forms P885L.
Identifiers: ClinVar variation 407928 (VCV000407928.25), dbSNP rs147492092, ClinGen allele CA7866106.

ClinVar aggregate classification (germline): Conflicting classifications of pathogenicity. Review status: criteria provided, conflicting classifications (1 of 4 stars). 11 submissions from 11 submitters: Uncertain significance (9); Likely benign (1). 1 of the submissions does not count toward it. Last evaluated 2026-01-09.

Conditions:
SLX4-related disorder. Also called: SLX4-related condition.
Hereditary cancer-predisposing syndrome. Also called: Neoplastic Syndromes, Hereditary; Tumor predisposition; Hereditary Cancer Syndrome; Hereditary neoplastic syndrome. Identifiers: Orphanet 140162, MedGen C0027672, MeSH D009386, MONDO:0015356.
Fanconi anemia complementation group P. Also called: SLX4-Related Fanconi Anemia. Identifiers: Orphanet 84, MedGen C3469542, MONDO:0013499, OMIM 613951.
Fanconi anemia (FA). Also called: Fanconi's anemia. Identifiers: Orphanet 84, MedGen C0015625, MeSH D005199, MONDO:0019391.
Fanconi anemia complementation group A (FANCA). Also called: Fanconi anemia, group A; FANCA-Related Fanconi Anemia. Identifiers: Orphanet 84, MedGen C3469521, MONDO:0009215, OMIM 227650.

Allele frequency attached by ClinVar (database versions not stated): ExAC 0.00022; gnomAD exomes 0.00031; gnomAD 0.00036 and 0.00037; ESP Exome Variant Server 0.00046; TOPMed 0.00046; 1000 Genomes Project 0.00080; 1000 Genomes Project 30x 0.00094.
gnomAD v4.1: 692 of 1,614,156 alleles (0.043%); highest among the groups gnomAD compares: Admixed American, 0.06%; no homozygotes.

Submissions (11):

GeneDx
Classification: Uncertain significance. Last evaluated: 2026-01-09. Review status: criteria provided, single submitter. Criteria: GeneDx Variant Classification Process June 2021. Collection method: clinical testing. Allele origin: germline. Affected: yes.
Comment: In silico analysis supports that this missense variant has a deleterious effect on protein structure/function; This variant is associated with the following publications: (PMID: 32546565, 30613976)

Laboratorio de I+D, Fundación Centro Médico de Asturias
Classification: Likely benign for Hereditary cancer-predisposing syndrome. Last evaluated: 2025-07-22. Review status: criteria provided, single submitter. Criteria: ACMG Guidelines, 2015. Collection method: clinical testing. Allele origin: germline.
Comment: BP4_Moderate+BP1+PM2_Supporting

Labcorp Genetics (formerly Invitae), Labcorp
Classification: Uncertain significance for Fanconi anemia. Last evaluated: 2025-01-19. Review status: criteria provided, single submitter. Criteria: Invitae Variant Classification Sherloc (09022015). Collection method: clinical testing. Allele origin: germline.
Comment: This sequence change replaces proline, which is neutral and non-polar, with leucine, which is neutral and non-polar, at codon 885 of the SLX4 protein (p.Pro885Leu). This variant is present in population databases (rs147492092, gnomAD 0.05%). This missense change has been observed in individual(s) with breast cancer (PMID: 30613976). ClinVar contains an entry for this variant (Variation ID: 407928). An algorithm developed to predict the effect of missense changes on protein structure and function outputs the following: PolyPhen-2: "Probably Damaging". The leucine amino acid residue is found in multiple mammalian species, which suggests that this missense change does not adversely affect protein function. In summary, the available evidence is currently insufficient to determine the role of this variant in disease. Therefore, it has been classified as a Variant of Uncertain Significance.

Blueprint Genetics
Classification: Uncertain significance. Last evaluated: 2024-11-20. Review status: criteria provided, single submitter. Criteria: ACMG Guidelines, 2015. Collection method: clinical testing. Allele origin: germline.

Fulgent Genetics
Classification: Uncertain significance for Fanconi anemia complementation group P. Last evaluated: 2024-02-02. Review status: criteria provided, single submitter. Criteria: ACMG Guidelines, 2015. Collection method: clinical testing. Allele origin: germline.

Sema4
Classification: Uncertain significance for Fanconi anemia. Last evaluated: 2021-07-14. Review status: criteria provided, single submitter. Criteria: Sema4 Curation Guidelines. Collection method: curation. Allele origin: germline.
Comment: The SLX4 c.2654C>T (p.P885L) variant has been reported in heterozygosity in at least 6 individuals with ovarian cancer (PMID: 32546565). However, this same study also reported the variant in 16 healthy controls, suggesting the variant is not enriched in cases compared to controls. This variant was observed in 18/35440 chromosomes in the Latino population, with no homozygotes, according to the Genome Aggregation Database (PMID: 32461654) and has been reported in ClinVar (Variation ID: 407928). In silico tools suggest the impact of the variant on protein function is benign, though these predictions have not been confirmed by functional studies. Based on the current evidence available, this variant is interpreted as a variant of uncertain significance.

Revvity Omics, Revvity
Classification: Uncertain significance for Fanconi anemia complementation group P. Last evaluated: 2019-08-15. Review status: criteria provided, single submitter. Criteria: ACMG Guidelines, 2015. Collection method: clinical testing. Allele origin: germline.

Mendelics
Classification: Uncertain significance for Fanconi anemia complementation group A. Last evaluated: 2019-05-28. Review status: criteria provided, single submitter. Criteria: Mendelics Assertion Criteria 2017. Collection method: clinical testing. Allele origin: unknown.

Illumina Laboratory Services, Illumina
Classification: Uncertain significance for Fanconi anemia complementation group P. Last evaluated: 2018-01-13. Review status: criteria provided, single submitter. Criteria: ICSL Variant Classification Criteria 13 December 2019. Collection method: clinical testing. Allele origin: germline.

Genetic Services Laboratory, University of Chicago
Classification: Uncertain significance. Last evaluated: 2016-09-13. Review status: criteria provided, single submitter. Criteria: ACMG Guidelines, 2015. Collection method: clinical testing. Allele origin: germline. Affected: no.

PreventionGenetics, part of Exact Sciences
Classification: Uncertain significance for SLX4-related condition. Last evaluated: 2024-05-06. Review status: no assertion criteria provided. Collection method: clinical testing. Allele origin: germline. Not counted in ClinVar's aggregate classification.
Comment: The SLX4 c.2654C>T variant is predicted to result in the amino acid substitution p.Pro885Leu. This variant is reported in 0.051% of alleles in individuals of Latino descent in gnomAD. Although we suspect that this variant may be benign, at this time, the clinical significance of this variant is uncertain due to the absence of conclusive functional and genetic evidence.

Literature cited by the submitters: PubMed 30613976 (cited by Labcorp Genetics (formerly Invitae), Labcorp); PubMed 32546565 (cited by Sema4).